The following is an entry in ClinVar:

ClinVar aggregate classification (germline): Uncertain significance (1 of 4 stars; one submission).

Conditions:
Spastic paraplegia. Identifiers: MedGen C0037772, HP:0001258.

Allele frequency attached by ClinVar (database versions not stated): gnomAD exomes 0.00001; ExAC 0.00002; TOPMed 0.00002; gnomAD 0.00003; 1000 Genomes Project 0.00020; 1000 Genomes Project 30x 0.00031.

Submission:

Labcorp Genetics (formerly Invitae), Labcorp
Classification: Uncertain significance for Spastic paraplegia. Last evaluated: 2024-03-11. Review status: criteria provided, single submitter. Criteria: Invitae Variant Classification Sherloc (09022015). Collection method: clinical testing. Allele origin: germline.
Comment: This sequence change replaces arginine, which is basic and polar, with cysteine, which is neutral and slightly polar, at codon 2483 of the ZFYVE26 protein (p.Arg2483Cys). This variant is present in population databases (rs201854194, gnomAD 0.01%). This variant has not been reported in the literature in individuals affected with ZFYVE26-related conditions. An algorithm developed to predict the effect of missense changes on protein structure and function (PolyPhen-2) suggests that this variant is likely to be disruptive. In summary, the available evidence is currently insufficient to determine the role of this variant in disease. Therefore, it has been classified as a Variant of Uncertain Significance.

NM_015346.4(ZFYVE26):c.7447C>T (p.Arg2483Cys)

Gene: ZFYVE26 (zinc finger FYVE-type containing 26; minus strand). Cytogenetic location: 14q24.1.
Variant type: single nucleotide variant.
Coding change: c.7447C>T on transcript NM_015346.4 (MANE Select); coding-DNA position 7447, C replaced by T.
Protein change: p.Arg2483Cys; replaces arginine 2483 with cysteine.
Molecular consequence: missense variant.
Genome position (GRCh38, 1-based): chr14:67,748,609, G>A on the plus strand (C>T on the coding strand, the complement: ZFYVE26 is on the minus strand). VCF-style: chr14-67748609-G-A. GRCh37 (hg19) VCF-style: chr14-68215326-G-A.
Other names: short protein forms R2483C.
Identifiers: ClinVar variation 2901560 (VCV002901560.2), dbSNP rs201854194, ClinGen allele CA7238930.